The following is an entry in ClinVar:

ClinVar aggregate classification (germline): Conflicting classifications of pathogenicity. Review status: criteria provided, conflicting classifications (1 of 4 stars). 8 submissions from 8 submitters: Uncertain significance (3); Likely benign (2). 3 of the submissions do not count toward it. Last evaluated 2026-01-25.

Conditions:
ERCC2-related disorder. Also called: ERCC2-related conditions; ERCC2-related condition; ERCC2-related disorders. Identifiers: MedGen CN239291.
Xeroderma pigmentosum (XP). Identifiers: Orphanet 910, MedGen C0043346, MONDO:0019600.
Xeroderma pigmentosum, group D (XPD). Also called: XERODERMA PIGMENTOSUM, COMPLEMENTATION GROUP D; XERODERMA PIGMENTOSUM IV; XP, GROUP D; XP, GROUP H; ERCC2-Related Xeroderma Pigmentosum. Identifiers: MedGen C0268138, MONDO:0010212, OMIM 278730.

Allele frequency attached by ClinVar (database versions not stated): gnomAD 0.00016 and 0.00027; TOPMed 0.00017; ESP Exome Variant Server 0.00023; gnomAD exomes 0.00032 and 0.00054; 1000 Genomes Project 0.00060; 1000 Genomes Project 30x 0.00062; ExAC 0.00064.
gnomAD v4.1: 515 of 1,613,138 alleles (0.032%); highest among the groups gnomAD compares: Middle Eastern, 0.4%; no homozygotes.

Submissions (8):

Labcorp Genetics (formerly Invitae), Labcorp
Classification: Likely benign. Last evaluated: 2026-01-25. Review status: criteria provided, single submitter. Criteria: Invitae Variant Classification Sherloc (09022015). Collection method: clinical testing. Allele origin: germline.

CeGaT Center for Human Genetics Tuebingen
Classification: Uncertain significance. Last evaluated: 2024-08-01. Review status: criteria provided, single submitter. Criteria: CeGaT Center For Human Genetics Tuebingen Variant Classification Criteria Version 2. Collection method: clinical testing. Allele origin: germline. Affected: yes. Observed: 2 variant alleles.

Institute for Clinical Genetics, University Hospital TU Dresden, University Hospital TU Dresden
Classification: Uncertain significance. Last evaluated: 2021-11-03. Review status: criteria provided, single submitter. Criteria: ACMG Guidelines, 2015. Collection method: clinical testing. Allele origin: germline.

Sema4
Classification: Likely benign for Xeroderma pigmentosum. Last evaluated: 2020-04-28. Review status: criteria provided, single submitter. Criteria: Sema4 Curation Guidelines. Collection method: curation. Allele origin: germline.

Illumina Laboratory Services, Illumina
Classification: Uncertain significance for Xeroderma pigmentosum, group D. Last evaluated: 2017-04-27. Review status: criteria provided, single submitter. Criteria: ICSL Variant Classification Criteria 13 December 2019. Collection method: clinical testing. Allele origin: germline.
Comment: This variant was observed as part of a predisposition screen in an ostensibly healthy population. A literature search was performed for the gene, cDNA change, and amino acid change (where applicable). Publications were found based on this search. However, the evidence from the literature, in combination with allele frequency data from public databases where available, was not sufficient to rule this variant in or out of causing disease. Therefore, this variant is classified as a variant of unknown significance.

PreventionGenetics, part of Exact Sciences
Classification: Likely benign for ERCC2-related condition. Last evaluated: 2022-04-06. Review status: no assertion criteria provided. Collection method: clinical testing. Allele origin: germline. Not counted in ClinVar's aggregate classification.
Comment: This variant is classified as likely benign based on ACMG/AMP sequence variant interpretation guidelines (Richards et al. 2015 PMID: 25741868, with internal and published modifications).

Clinical Genetics DNA and cytogenetics Diagnostics Lab, Erasmus MC, Erasmus Medical Center
Classification: Likely benign. Review status: no assertion criteria provided. Collection method: clinical testing. Allele origin: germline. Affected: yes. Study: VKGL Data-share Consensus. Not counted in ClinVar's aggregate classification.

Genome Diagnostics Laboratory, Amsterdam University Medical Center
Classification: Likely benign. Review status: no assertion criteria provided. Collection method: clinical testing. Allele origin: germline. Affected: yes. Study: VKGL Data-share Consensus. Not counted in ClinVar's aggregate classification.

Literature cited by the submitters: PubMed 17403617 (cited by Illumina Laboratory Services, Illumina); PubMed 18191955 (cited by Illumina Laboratory Services, Illumina); PubMed 11285194 (cited by Illumina Laboratory Services, Illumina); PubMed 11319176 (cited by Illumina Laboratory Services, Illumina); PubMed 16707649 (cited by Illumina Laboratory Services, Illumina); PubMed 16111488 (cited by Illumina Laboratory Services, Illumina).

NM_000400.4(ERCC2):c.601C>T (p.His201Tyr)

Gene: ERCC2 (ERCC excision repair 2, TFIIH core complex helicase subunit; minus strand). Cytogenetic location: 19q13.32.
Variant type: single nucleotide variant.
Coding change: c.601C>T on transcript NM_000400.4 (MANE Select); coding-DNA position 601, C replaced by T.
Protein change: p.His201Tyr; replaces histidine 201 with tyrosine.
Molecular consequence: missense variant.
Genome position (GRCh38, 1-based): chr19:45,364,541, G>A on the plus strand (C>T on the coding strand, the complement: ERCC2 is on the minus strand). VCF-style: chr19-45364541-G-A. GRCh37 (hg19) VCF-style: chr19-45867799-G-A.
Other names: c.529C>T, p.His177Tyr (NM_001130867.2); short protein forms H201Y, H177Y.
Identifiers: ClinVar variation 546846 (VCV000546846.64), dbSNP rs1799792, ClinGen allele CA9513702.